The following is an entry in ClinVar:

ClinVar aggregate classification (germline): Uncertain significance (1 of 4 stars; one submission).

Conditions:
Cystic fibrosis (CF). Also called: MUCOVISCIDOSIS. Identifiers: Orphanet 586, MedGen C0010674, MONDO:0009061, OMIM 219700. Disease mechanism: loss of function.

Allele frequency attached by ClinVar (database versions not stated): gnomAD exomes below 0.00001.
gnomAD v4.1: 1 of 1,614,114 alleles (0.000062%); highest among the groups gnomAD compares: South Asian, 0.0011%; no homozygotes.

Submission:

Ambry Genetics
Classification: Uncertain significance for Cystic fibrosis. Last evaluated: 2022-09-26. Review status: criteria provided, single submitter. Criteria: Ambry Variant Classification Scheme 2023. Collection method: clinical testing. Allele origin: germline.
Comment: The p.L937V variant (also known as c.2809C>G), located in coding exon 17 of the CFTR gene, results from a C to G substitution at nucleotide position 2809. The leucine at codon 937 is replaced by valine, an amino acid with highly similar properties. This amino acid position is conserved. In addition, this alteration is predicted to be deleterious by in silico analysis. Since supporting evidence is limited at this time, the clinical significance of this alteration remains unclear.

NM_000492.4(CFTR):c.2809C>G (p.Leu937Val)

Gene: CFTR (CF transmembrane conductance regulator; plus strand). Cytogenetic location: 7q31.2.
Variant type: single nucleotide variant.
Coding change: c.2809C>G on transcript NM_000492.4 (MANE Select); coding-DNA position 2809, C replaced by G.
Protein change: p.Leu937Val; replaces leucine 937 with valine.
Molecular consequence: missense variant.
Genome position (GRCh38, 1-based): chr7:117,603,683, C>G. VCF-style: chr7-117603683-C-G. GRCh37 (hg19) VCF-style: chr7-117243737-C-G.
Other names: short protein forms L937V.
Identifiers: ClinVar variation 1796293 (VCV001796293.2), dbSNP rs2485122130, ClinGen allele CA368986976.